The following is an entry in ClinVar:

ClinVar aggregate classification (germline): Uncertain significance (1 of 4 stars; one submission).

Conditions:
Charcot-Marie-Tooth disease type 4. Also called: Charcot-Marie-Tooth, Type 4; Charcot-Marie-Tooth disease, type IV. Identifiers: Orphanet 64749, MedGen C4082197, MONDO:0018995.

Allele frequency attached by ClinVar (database versions not stated): TOPMed below 0.00001.

Submission:

Labcorp Genetics (formerly Invitae), Labcorp
Classification: Uncertain significance for Charcot-Marie-Tooth disease type 4. Last evaluated: 2018-08-29. Review status: criteria provided, single submitter. Criteria: Invitae Variant Classification Sherloc (09022015). Collection method: clinical testing. Allele origin: germline.
Comment: This variant is not present in population databases (ExAC no frequency). In summary, the available evidence is currently insufficient to determine the role of this variant in disease. Therefore, it has been classified as a Variant of Uncertain Significance. Algorithms developed to predict the effect of missense changes on protein structure and function are either unavailable or do not agree on the potential impact of this missense change (SIFT: "Deleterious"; PolyPhen-2: "Possibly Damaging"; Align-GVGD: "Class C15"). This variant has not been reported in the literature in individuals with PRX-related disease. This sequence change replaces glutamic acid with valine at codon 633 of the PRX protein (p.Glu633Val). The glutamic acid residue is highly conserved and there is a moderate physicochemical difference between glutamic acid and valine.

NM_181882.3(PRX):c.1898A>T (p.Glu633Val)

Gene: PRX (periaxin; minus strand). Cytogenetic location: 19q13.2.
Variant type: single nucleotide variant.
Coding change: c.1898A>T on transcript NM_181882.3 (MANE Select); coding-DNA position 1898, A replaced by T.
Protein change: p.Glu633Val; replaces glutamic acid 633 with valine.
Molecular consequence: missense variant. On other transcripts: 3 prime UTR variant (1).
Genome position (GRCh38, 1-based): chr19:40,396,454, T>A on the plus strand (A>T on the coding strand, the complement: PRX is on the minus strand). VCF-style: chr19-40396454-T-A. GRCh37 (hg19) VCF-style: chr19-40902361-T-A.
Other names: c.*2103A>T (NM_020956.2); short protein forms E633V.
Identifiers: ClinVar variation 661900 (VCV000661900.8), dbSNP rs1599654002, ClinGen allele CA405897433.